The following is an entry in ClinVar:

NM_201384.3(PLEC):c.6510del (p.His2170fs)

Gene: PLEC (plectin; minus strand). Cytogenetic location: 8q24.3.
Variant type: Deletion.
Coding change: c.6510del on transcript NM_201384.3 (MANE Select); coding-DNA position 6510, one base deleted (T; older notation c.6510delT).
Protein change: p.His2170fs; shifts the reading frame from histidine 2170.
Molecular consequence: frameshift variant.
Genome position (GRCh38, 1-based): chr8:143,923,419, A deleted on the plus strand (T on the coding strand, the reverse complement: PLEC is on the minus strand). VCF-style (leftmost placement, unchanged base first): chr8-143923418-TA-T. GRCh37 (hg19) VCF-style: chr8-144997586-TA-T.
Other names: c.6444del, p.His2148fs (NM_201379.3); c.6921del, p.His2307fs (NM_201380.4); c.6591del, p.His2197fs (NM_000445.5); c.6468del, p.His2156fs (NM_201378.4); c.6414del, p.His2138fs (NM_201381.3); c.6510del, p.His2170fs (NM_201382.4); c.6522del, p.His2174fs (NM_201383.3); short protein forms H2138fs, H2148fs, H2156fs, H2170fs, H2174fs, H2197fs, H2307fs.
Identifiers: ClinVar variation 1074096 (VCV001074096.5), dbSNP rs2131325419, ClinGen allele CA2499219151.
Genomic context (GRCh38, chr8:143,923,418, plus strand): 5'-GTGTTGTCAGCTCCTGCTCCACCTGCGCCTTCTGCCGCAGCGTCTGCTCGGCGAATTTCT[TA>T]TGCTTCTCCATCTCCGCGTCAGCTGCCTGCTTCTGCCGCAGGGCCGCCTGCTCCGCCTGT-3'

ClinVar aggregate classification (germline): Pathogenic (1 of 4 stars; one submission).

Conditions:
Epidermolysis bullosa simplex 5C, with pyloric atresia (EBS5C). Also called: Epidermolysis bullosa simplex with pyloric atresia; PLEC-Related Epidermolysis Bullosa with Pyloric Atresia; PLEC1-Related Epidermolysis Bullosa with Pyloric Atresia. Identifiers: Orphanet 158684, MedGen C2677349, MONDO:0012807, OMIM 612138.
Epidermolysis bullosa simplex 5B, with muscular dystrophy (EBS5B). Also called: Epidermolysis bullosa simplex with muscular dystrophy; EPIDERMOLYSIS BULLOSA SIMPLEX AND LIMB-GIRDLE MUSCULAR DYSTROPHY. Identifiers: Orphanet 257, MedGen C2931072, MONDO:0009181, OMIM 226670.
Epidermolysis bullosa simplex, Ogna type (EBS5A). Also called: Pidermolysis bullosa simplex 5A, Ogna type; EPIDERMOLYSIS BULLOSA SIMPLEX 5A, OGNA TYPE. Identifiers: Orphanet 79401, MedGen C0432317, MONDO:0007555, OMIM 131950.
Autosomal recessive limb-girdle muscular dystrophy type 2Q (LGMDR17). Also called: MUSCULAR DYSTROPHY, LIMB-GIRDLE, AUTOSOMAL RECESSIVE 17. Identifiers: Orphanet 254361, MedGen C3150989, MONDO:0013390, OMIM 613723.
Epidermolysis bullosa simplex with nail dystrophy (EBS5D). Identifiers: MedGen C4225309, MONDO:0014661, OMIM 616487.

Submission:

Labcorp Genetics (formerly Invitae), Labcorp
Classification: Pathogenic for Autosomal recessive limb-girdle muscular dystrophy type 2Q; Epidermolysis bullosa simplex, Ogna type; Epidermolysis bullosa simplex with nail dystrophy; Epidermolysis bullosa simplex 5C, with pyloric atresia; Epidermolysis bullosa simplex 5B, with muscular dystrophy. Last evaluated: 2020-10-19. Review status: criteria provided, single submitter. Criteria: Invitae Variant Classification Sherloc (09022015). Collection method: clinical testing. Allele origin: germline.
Comment: For these reasons, this variant has been classified as Pathogenic. This variant has not been reported in the literature in individuals with PLEC-related conditions. This variant is not present in population databases (ExAC no frequency). This sequence change creates a premature translational stop signal (p.His2197Glnfs*19) in the PLEC gene. It is expected to result in an absent or disrupted protein product. Loss-of-function variants in PLEC are known to be pathogenic (PMID: 20301336, 20447487, 21109228, 23289980, 28824526).

Literature cited by the submitters: PubMed 20301336; PubMed 20447487; PubMed 21109228; PubMed 23289980; PubMed 28824526.